The following is an entry in ClinVar:

NM_002900.3(RBP3):c.418G>A (p.Gly140Ser)

Gene: RBP3 (retinol binding protein 3; plus strand). Cytogenetic location: 10q11.22.
Variant type: single nucleotide variant.
Coding change: c.418G>A on transcript NM_002900.3 (MANE Select); coding-DNA position 418, G replaced by A.
Protein change: p.Gly140Ser; replaces glycine 140 with serine.
Molecular consequence: missense variant.
Genome position (GRCh38, 1-based): chr10:47,348,902, G>A. VCF-style: chr10-47348902-G-A. GRCh37 (hg19) VCF-style: chr10-48390460-C-T.
Other names: short protein forms G140S.
Identifiers: ClinVar variation 499949 (VCV000499949.19), dbSNP rs34932849, ClinGen allele CA5487793.

ClinVar aggregate classification (germline): Conflicting classifications of pathogenicity. Review status: criteria provided, conflicting classifications (1 of 4 stars). 5 submissions from 5 submitters: Uncertain significance (3); Likely benign (2). Last evaluated 2026-02-10.

Conditions:
RBP3-related disorder. Also called: RBP3-related condition.

Allele frequency attached by ClinVar (database versions not stated): gnomAD exomes 0.00014 and 0.00038; ExAC 0.00041; ESP Exome Variant Server 0.00123; 1000 Genomes Project 0.00140; gnomAD 0.00153 and 0.00163; 1000 Genomes Project 30x 0.00156; TOPMed 0.00186.

Submissions (5):

GeneDx
Classification: Uncertain significance. Last evaluated: 2026-02-10. Review status: criteria provided, single submitter. Criteria: GeneDx Variant Classification Process June 2021. Collection method: clinical testing. Allele origin: germline.
Comment: Observed in unrelated individuals with eye disease but, patient specific clinical information was not provided in the reports (PMID: 27898983, 32483926); In silico analysis does not support a benign or deleterious effect of this variant on protein structure/function; This variant is associated with the following publications: (PMID: 32483926, 27898983, 26934580)

Labcorp Genetics (formerly Invitae), Labcorp
Classification: Likely benign. Last evaluated: 2026-01-26. Review status: criteria provided, single submitter. Criteria: Invitae Variant Classification Sherloc (09022015). Collection method: clinical testing. Allele origin: germline.

PreventionGenetics, part of Exact Sciences
Classification: Uncertain significance for RBP3-related condition. Last evaluated: 2024-12-30. Review status: criteria provided, single submitter. Criteria: ACMG Guidelines, 2015. Collection method: clinical testing. Allele origin: germline.
Comment: The RBP3 c.418G>A variant is predicted to result in the amino acid substitution p.Gly140Ser. This variant was reported as uncertain in an individual with retinal and optic nerve disease (Table S2, Diñeiro et al. 2020. PubMed ID: 32483926). This variant is reported in 0.51% of alleles in individuals of African descent in gnomAD and has conflicting interpretations regarding its pathogenicity in ClinVar, ranging from likely benign to uncertain. At this time, the clinical significance of this variant is uncertain due to the absence of conclusive functional and genetic evidence.

Blueprint Genetics
Classification: Likely benign. Last evaluated: 2023-04-20. Review status: criteria provided, single submitter. Criteria: ACMG Guidelines, 2015. Collection method: clinical testing. Allele origin: germline.

Eurofins Ntd Llc (ga)
Classification: Uncertain significance. Last evaluated: 2018-06-19. Review status: criteria provided, single submitter. Criteria: EGL ClinVar v180209 classification definitions. Collection method: clinical testing. Allele origin: germline. Observed: 2 variant alleles, 2 heterozygotes.